The following is an entry in ClinVar:

ClinVar aggregate classification (germline): Uncertain significance. Review status: criteria provided, multiple submitters, no conflicts (2 of 4 stars). 2 submissions from 2 submitters: Uncertain significance (2). Last evaluated 2025-07-03.

Conditions:
Hereditary cancer-predisposing syndrome. Also called: Hereditary Cancer Syndrome; Tumor predisposition; Neoplastic Syndromes, Hereditary; Hereditary neoplastic syndrome. Identifiers: Orphanet 140162, MedGen C0027672, MeSH D009386, MONDO:0015356.
Parathyroid carcinoma (PRTC). Also called: CDC73-Related Parathyroid Carcinoma; Parathyroid gland carcinoma. Identifiers: Orphanet 143, MedGen C0687150, MONDO:0012004, OMIM 608266, HP:0006780.

gnomAD v4.1: 1 of 1,564,762 alleles (0.000064%); highest among the groups gnomAD compares: Non-Finnish European, 0.000088%; no homozygotes.

Submissions (2):

Ambry Genetics
Classification: Uncertain significance for Hereditary cancer-predisposing syndrome. Last evaluated: 2025-07-03. Review status: criteria provided, single submitter. Criteria: Ambry Variant Classification Scheme 2023. Collection method: clinical testing. Allele origin: germline.
Comment: The p.G100D variant (also known as c.299G>A), located in coding exon 3 of the CDC73 gene, results from a G to A substitution at nucleotide position 299. The glycine at codon 100 is replaced by aspartic acid, an amino acid with similar properties. This amino acid position is conserved. In addition, the in silico prediction for this alteration is inconclusive. Based on the available evidence, the clinical significance of this variant remains unclear.

Labcorp Genetics (formerly Invitae), Labcorp
Classification: Uncertain significance for Parathyroid carcinoma. Last evaluated: 2024-01-24. Review status: criteria provided, single submitter. Criteria: Invitae Variant Classification Sherloc (09022015). Collection method: clinical testing. Allele origin: germline.
Comment: This sequence change replaces glycine, which is neutral and non-polar, with aspartic acid, which is acidic and polar, at codon 100 of the CDC73 protein (p.Gly100Asp). This variant is not present in population databases (gnomAD no frequency). This variant has not been reported in the literature in individuals affected with CDC73-related conditions. Advanced modeling of protein sequence and biophysical properties (such as structural, functional, and spatial information, amino acid conservation, physicochemical variation, residue mobility, and thermodynamic stability) performed at Invitae indicates that this missense variant is expected to disrupt CDC73 protein function with a positive predictive value of 80%. In summary, the available evidence is currently insufficient to determine the role of this variant in disease. Therefore, it has been classified as a Variant of Uncertain Significance.

NM_024529.5(CDC73):c.299G>A (p.Gly100Asp)

Gene: CDC73 (cell division cycle 73; plus strand). Cytogenetic location: 1q31.2.
Variant type: single nucleotide variant.
Coding change: c.299G>A on transcript NM_024529.5 (MANE Select); coding-DNA position 299, G replaced by A.
Protein change: p.Gly100Asp; replaces glycine 100 with aspartic acid.
Molecular consequence: missense variant.
Genome position (GRCh38, 1-based): chr1:193,130,235, G>A. VCF-style: chr1-193130235-G-A. GRCh37 (hg19) VCF-style: chr1-193099365-G-A.
Other names: short protein forms G100D.
Identifiers: ClinVar variation 2727455 (VCV002727455.4), dbSNP rs2103117958, ClinGen allele CA343973405.